The following is an entry in ClinVar:

ClinVar aggregate classification (germline): Conflicting classifications of pathogenicity. Review status: criteria provided, conflicting classifications (1 of 4 stars). 3 submissions from 3 submitters: Pathogenic (1); Uncertain significance (1). 1 of the submissions does not count toward it. Last evaluated 2025-12-03.

Conditions:
Argininosuccinate lyase deficiency. Also called: ARGININOSUCCINIC ACID LYASE DEFICIENCY; ASL DEFICIENCY; Argininosuccinic aciduria. Identifiers: Orphanet 23, MedGen C0268547, MONDO:0008815, OMIM 207900, HP:0025630.

Allele frequency attached by ClinVar (database versions not stated): gnomAD exomes 0.00001 and 0.00002; TOPMed 0.00001; ExAC 0.00002; gnomAD 0.00002.
gnomAD v4.1: 22 of 1,613,898 alleles (0.0014%); highest among the groups gnomAD compares: African/African-American, 0.004%; no homozygotes.

Submissions (3):

Labcorp Genetics (formerly Invitae), Labcorp
Classification: Pathogenic for Argininosuccinate lyase deficiency. Last evaluated: 2025-12-03. Review status: criteria provided, single submitter. Criteria: Invitae Variant Classification Sherloc (09022015). Collection method: clinical testing. Allele origin: germline.
Comment: This sequence change replaces methionine, which is neutral and non-polar, with threonine, which is neutral and polar, at codon 21 of the ASL protein (p.Met21Thr). This variant is present in population databases (rs774392615, gnomAD 0.004%). This missense change has been observed in individual(s) with hyperammonemia (internal data). In at least one individual the data is consistent with being in trans (on the opposite chromosome) from a pathogenic variant. ClinVar contains an entry for this variant (Variation ID: 840407). Invitae Evidence Modeling of protein sequence and biophysical properties (such as structural, functional, and spatial information, amino acid conservation, physicochemical variation, residue mobility, and thermodynamic stability) indicates that this missense variant is expected to disrupt ASL protein function with a positive predictive value of 95%. For these reasons, this variant has been classified as Pathogenic.

Women's Health and Genetics/Laboratory Corporation of America, LabCorp
Classification: Uncertain significance. Last evaluated: 2025-08-21. Review status: criteria provided, single submitter. Criteria: LabCorp Variant Classification Summary - May 2015. Collection method: clinical testing. Allele origin: germline.
Comment: Variant summary: ASL c.62T>C (p.Met21Thr) results in a non-conservative amino acid change in the encoded protein sequence. Algorithms developed to predict the effect of missense changes on protein structure and function all suggest that this variant is likely to be disruptive. The variant allele was found at a frequency of 1.6e-05 in 250952 control chromosomes. The available data on variant occurrences in the general population are insufficient to allow any conclusion about variant significance. c.62T>C has been observed in the compound heterozygous state in individual(s) affected with Argininosuccinic Aciduria (internal data). These data do not allow any conclusion about variant significance. To our knowledge, no experimental evidence demonstrating an impact on protein function has been reported. ClinVar contains an entry for this variant (Variation ID: 840407). Based on the evidence outlined above, the variant was classified as uncertain significance.

Natera, Inc.
Classification: Uncertain significance for Argininosuccinate lyase deficiency. Last evaluated: 2020-01-24. Review status: no assertion criteria provided. Collection method: clinical testing. Allele origin: germline. Not counted in ClinVar's aggregate classification.

NM_000048.4(ASL):c.62T>C (p.Met21Thr)

Gene: ASL (argininosuccinate lyase; plus strand). Cytogenetic location: 7q11.21.
Variant type: single nucleotide variant.
Coding change: c.62T>C on transcript NM_000048.4 (MANE Select); coding-DNA position 62, T replaced by C.
Protein change: p.Met21Thr; replaces methionine 21 with threonine.
Molecular consequence: missense variant.
Genome position (GRCh38, 1-based): chr7:66,081,852, T>C. VCF-style: chr7-66081852-T-C. GRCh37 (hg19) VCF-style: chr7-65546839-T-C.
Other names: c.62T>C, p.Met21Thr (NM_001024943.2, NM_001024944.2, NM_001024946.2); short protein forms M21T.
Identifiers: ClinVar variation 840407 (VCV000840407.13), dbSNP rs774392615, ClinGen allele CA4276817.